The following is an entry in ClinVar:

NM_004444.5(EPHB4):c.216G>A (p.Trp72Ter)

Gene: EPHB4 (EPH receptor B4; minus strand). Cytogenetic location: 7q22.1.
Variant type: single nucleotide variant.
Coding change: c.216G>A on transcript NM_004444.5 (MANE Select); coding-DNA position 216, G replaced by A.
Protein change: p.Trp72Ter; replaces tryptophan 72 with a stop codon.
Molecular consequence: nonsense.
Genome position (GRCh38, 1-based): chr7:100,823,839, C>T on the plus strand (G>A on the coding strand, the complement: EPHB4 is on the minus strand). VCF-style: chr7-100823839-C-T. GRCh37 (hg19) VCF-style: chr7-100421461-C-T.
Other names: short protein forms W72*.
Identifiers: ClinVar variation 1806264 (VCV001806264.2), dbSNP rs2485049740, ClinGen allele CA368584424.

ClinVar aggregate classification (germline): Pathogenic/Likely pathogenic. Review status: criteria provided, multiple submitters, no conflicts (2 of 4 stars). 2 submissions from 2 submitters: Pathogenic (1); Likely pathogenic (1). Last evaluated 2021-05-06.

Conditions:
EPHB4-related disorder. Also called: EPHB4-related disorders; EPHB4-related condition.
Capillary malformation-arteriovenous malformation 2 (CMAVM2). Identifiers: Orphanet 693912, MedGen C4748670, MONDO:0020785, OMIM 618196.

Submissions (2):

Blueprint Genetics
Classification: Likely pathogenic for EPHB4-related disorders. Last evaluated: 2021-05-06. Review status: criteria provided, single submitter. Criteria: ACMG Guidelines, 2015. Collection method: clinical testing. Allele origin: germline. Affected: yes. Observed: 1 variant allele.

Victorian Clinical Genetics Services, Murdoch Childrens Research Institute
Classification: Pathogenic for Capillary malformation-arteriovenous malformation 2. Last evaluated: 2020-06-11. Review status: criteria provided, single submitter. Criteria: ACMG Guidelines, 2015. Collection method: clinical testing. Allele origin: germline. Inheritance: Autosomal dominant inheritance. Affected: yes.
Comment: Based on the classification scheme VCGS_Germline_v1.1.1, this variant is classified as Pathogenic. Following criteria are met: 0102 - Loss-of-function is a known mechanism of disease for this gene. (N) 0107 - This gene is known to be associated with autosomal dominant disease. (N) 0112 - Variants in this gene are known to have variable expressivity (PMID: 29905864, 27400125, 30578106). (N) 0201 - Variant is located in exon 3 of 17 and is predicted to cause nonsense-mediated decay (NMD) and loss of protein. (P) 0251 - Variant is heterozygous. (N) 0301 - Variant is absent from gnomAD. (P) 0701 - Comparable variants have very strong previous evidence for pathogenicity. More than 10 NMD-predicted variants have been reported as pathogenic in patients with capillary malformation-arteriovenous malformation (ClinVar, PMID: 28687708). (P) 0807 - Variant has not previously been reported in a clinical context. (N) 0905 - No segregation evidence has been identified for this variant. (N) 1007 - No published functional evidence has been identified for this variant. (N) 1102 - Strong phenotype match. (P) 1208 - Inheritance information for this variant is not currently available. (N) Legend: (P) - Pathogenic, (N) - Neutral, (B) - Benign

Literature cited by the submitters: PubMed 27400125 (cited by Victorian Clinical Genetics Services, Murdoch Childrens Research Institute); PubMed 28687708 (cited by Victorian Clinical Genetics Services, Murdoch Childrens Research Institute); PubMed 29905864 (cited by Victorian Clinical Genetics Services, Murdoch Childrens Research Institute); PubMed 30578106 (cited by Victorian Clinical Genetics Services, Murdoch Childrens Research Institute).